The following is an entry in ClinVar:

ClinVar aggregate classification (germline): Likely pathogenic (1 of 4 stars; one submission).

Conditions:
Menkes kinky-hair syndrome (MNK). Also called: Copper transport disease; Classic Menkes Disease; Menkes Disease. Identifiers: Orphanet 565, MedGen C0022716, MONDO:0010651, OMIM 309400.

Submission:

Myriad Genetics, Inc.
Classification: Likely pathogenic for Menkes kinky-hair syndrome. Last evaluated: 2022-05-18. Review status: criteria provided, single submitter. Criteria: Myriad Autosomal Dominant, Autosomal Recessive and X-Linked Classification Criteria (2023). Collection method: clinical testing. Allele origin: unknown.
Comment: NM_000052.5(ATP7A):c.2334dupT(T779Yfs*4) is expected to be pathogenic in the context of ATP7A-related disorders. This variant is predicted to lead to an abnormal or absent protein product due to the creation of a premature termination codon in ATP7A, a gene where loss-of-function variants are known to be pathogenic. Please note: this variant was assessed in the context of healthy population screening.

NM_000052.7(ATP7A):c.2334dup (p.Thr779fs)

Gene: ATP7A (ATPase copper transporting alpha; plus strand). Cytogenetic location: Xq21.1.
Variant type: Duplication.
Coding change: c.2334dup on transcript NM_000052.7 (MANE Select); coding-DNA position 2334, one base duplicated (T; older notation c.2334dupT).
Protein change: p.Thr779fs; shifts the reading frame from threonine 779.
Molecular consequence: frameshift variant. On other transcripts: intron variant (1).
Genome position (GRCh38, 1-based): chrX:78,013,040, T duplicated; the last of 2 consecutive T bases (chrX:78,013,039-78,013,040); duplicating either gives the same sequence. VCF-style (leftmost placement, unchanged base first): chrX-78013038-A-AT. GRCh37 (hg19) VCF-style: chrX-77268535-A-AT.
Other names: c.2172+1366dup (NM_001282224.2); short protein forms T779fs.
Identifiers: ClinVar variation 1726119 (VCV001726119.3), dbSNP rs2522354956, ClinGen allele CA2580101511.